The following is an entry in ClinVar:

ClinVar aggregate classification (germline): Uncertain significance. Review status: criteria provided, multiple submitters, no conflicts (2 of 4 stars). 3 submissions from 3 submitters: Uncertain significance (3). Last evaluated 2026-02-18.

Conditions:
PMP22-related disorder. Also called: PMP22-related disorders; PMP22-related condition.
Charcot-Marie-Tooth disease, type I (CMT1). Also called: Charcot-Marie-Tooth disease type 1; Charcot-Marie-Tooth, Type 1. Identifiers: Orphanet 65753, MedGen C0751036, MONDO:0019011.
Inborn genetic diseases. Identifiers: MedGen C0950123, MeSH D030342.

Allele frequency attached by ClinVar (database versions not stated): ExAC 0.00002; gnomAD 0.00002; gnomAD exomes 0.00002 and 0.00003; TOPMed 0.00003.
gnomAD v4.1: 49 of 1,609,068 alleles (0.003%); highest among the groups gnomAD compares: Non-Finnish European, 0.004%; no homozygotes.

Submissions (3):

PreventionGenetics, part of Exact Sciences
Classification: Uncertain significance for PMP22-related condition. Last evaluated: 2026-02-18. Review status: criteria provided, single submitter. Criteria: ACMG Guidelines, 2015. Collection method: clinical testing. Allele origin: germline.
Comment: The PMP22 c.173C>A variant is predicted to result in the amino acid substitution p.Pro58Gln. To our knowledge, this variant has not been reported in the literature. This variant is reported in 0.0035% of alleles in individuals of European (non-Finnish) descent in gnomAD. At this time, the clinical significance of this variant is uncertain due to the absence of conclusive functional and genetic evidence.

Labcorp Genetics (formerly Invitae), Labcorp
Classification: Uncertain significance for Charcot-Marie-Tooth disease, type I. Last evaluated: 2025-08-29. Review status: criteria provided, single submitter. Criteria: Invitae Variant Classification Sherloc (09022015). Collection method: clinical testing. Allele origin: germline.
Comment: This sequence change replaces proline, which is neutral and non-polar, with glutamine, which is neutral and polar, at codon 58 of the PMP22 protein (p.Pro58Gln). This variant is present in population databases (rs745939923, gnomAD 0.004%). This variant has not been reported in the literature in individuals affected with PMP22-related conditions. ClinVar contains an entry for this variant (Variation ID: 567898). Invitae Evidence Modeling of protein sequence and biophysical properties (such as structural, functional, and spatial information, amino acid conservation, physicochemical variation, residue mobility, and thermodynamic stability) indicates that this missense variant is not expected to disrupt PMP22 protein function with a negative predictive value of 95%. In summary, the available evidence is currently insufficient to determine the role of this variant in disease. Therefore, it has been classified as a Variant of Uncertain Significance.

Ambry Genetics
Classification: Uncertain significance for Inborn genetic diseases. Last evaluated: 2025-08-10. Review status: criteria provided, single submitter. Criteria: Ambry Variant Classification Scheme 2023. Collection method: clinical testing. Allele origin: germline.

NM_000304.4(PMP22):c.173C>A (p.Pro58Gln)

Gene: PMP22 (peripheral myelin protein 22; minus strand). Cytogenetic location: 17p12.
Variant type: single nucleotide variant.
Coding change: c.173C>A on transcript NM_000304.4 (MANE Select); coding-DNA position 173, C replaced by A.
Protein change: p.Pro58Gln; replaces proline 58 with glutamine.
Molecular consequence: missense variant. On other transcripts: non-coding transcript variant (1).
Genome position (GRCh38, 1-based): chr17:15,259,099, G>T on the plus strand (C>A on the coding strand, the complement: PMP22 is on the minus strand). VCF-style: chr17-15259099-G-T. GRCh37 (hg19) VCF-style: chr17-15162416-G-T.
Other names: c.173C>A, p.Pro58Gln (NM_001281455.2, NM_001281456.2, NM_001330143.2 and 2 more transcripts); c.173C>A (NM_000304.2); short protein forms P58Q.
Identifiers: ClinVar variation 567898 (VCV000567898.9), dbSNP rs745939923, ClinGen allele CA8403418.